The following is an entry in ClinVar:

NM_003620.4(PPM1D):c.1001A>C (p.Glu334Ala)

Gene: PPM1D (protein phosphatase, Mg2+/Mn2+ dependent 1D; plus strand). Cytogenetic location: 17q23.2.
Variant type: single nucleotide variant.
Coding change: c.1001A>C on transcript NM_003620.4 (MANE Select); coding-DNA position 1001, A replaced by C.
Protein change: p.Glu334Ala; replaces glutamic acid 334 with alanine.
Molecular consequence: missense variant.
Genome position (GRCh38, 1-based): chr17:60,648,066, A>C. VCF-style: chr17-60648066-A-C. GRCh37 (hg19) VCF-style: chr17-58725427-A-C.
Other names: short protein forms E334A.
Identifiers: ClinVar variation 3717610 (VCV003717610.2).
Genomic context (GRCh38, chr17:60,648,066, plus strand): 5'-ATGGACTTTGGAATATGATTCCACCACAAGATGCCATCTCAATGTGCCAGGACCAAGAGG[A>C]GAAAAAATACCTGATGGTGAGATGTGATTGAATAACTTGATATTGTTGTCTAAACATTGT-3'
Protein context (NP_003611.1, residues 324-344): DAISMCQDQE[Glu334Ala]KKYLMGEHGQ

ClinVar aggregate classification (germline): Uncertain significance (1 of 4 stars; one submission).

gnomAD v4.1: 6 of 1,608,562 alleles (0.00037%); highest among the groups gnomAD compares: Admixed American, 0.0085%; no homozygotes.

Submission:

Labcorp Genetics (formerly Invitae), Labcorp
Classification: Uncertain significance. Last evaluated: 2025-09-18. Review status: criteria provided, single submitter. Criteria: Invitae Variant Classification Sherloc (09022015). Collection method: clinical testing. Allele origin: germline.
Comment: This sequence change replaces glutamic acid, which is acidic and polar, with alanine, which is neutral and non-polar, at codon 334 of the PPM1D protein (p.Glu334Ala). This variant is present in population databases (rs752226759, gnomAD 0.01%). This variant has not been reported in the literature in individuals affected with PPM1D-related conditions. ClinVar contains an entry for this variant (Variation ID: 3717610). An algorithm developed to predict the effect of missense changes on protein structure and function (PolyPhen-2) suggests that this variant is likely to be tolerated. In summary, the available evidence is currently insufficient to determine the role of this variant in disease. Therefore, it has been classified as a Variant of Uncertain Significance.